The following is an entry in ClinVar:

NM_006258.4(PRKG1):c.214C>G (p.Pro72Ala)

Gene: PRKG1 (protein kinase cGMP-dependent 1; plus strand). Cytogenetic location: 10q11.23.
Variant type: single nucleotide variant.
Coding change: c.214C>G on transcript NM_006258.4 (MANE Select); coding-DNA position 214, C replaced by G.
Protein change: p.Pro72Ala; replaces proline 72 with alanine.
Molecular consequence: missense variant. On other transcripts: intron variant (1).
Genome position (GRCh38, 1-based): chr10:51,074,804, C>G. VCF-style: chr10-51074804-C-G. GRCh37 (hg19) VCF-style: chr10-52834564-C-G.
Other names: c.214C>G, p.Pro72Ala (NM_001374782.1); c.267-78360C>G (NM_001098512.3); short protein forms P72A.
Identifiers: ClinVar variation 2103208 (VCV002103208.4), dbSNP rs776811147, ClinGen allele CA376827048.

ClinVar aggregate classification (germline): Uncertain significance (1 of 4 stars; one submission).

Conditions:
Aortic aneurysm, familial thoracic 8 (AAT8). Identifiers: MedGen C3809513, MONDO:0014187, OMIM 615436.

Submission:

Labcorp Genetics (formerly Invitae), Labcorp
Classification: Uncertain significance for Aortic aneurysm, familial thoracic 8. Last evaluated: 2022-02-25. Review status: criteria provided, single submitter. Criteria: Invitae Variant Classification Sherloc (09022015). Collection method: clinical testing. Allele origin: germline.
Comment: In summary, the available evidence is currently insufficient to determine the role of this variant in disease. Therefore, it has been classified as a Variant of Uncertain Significance. Algorithms developed to predict the effect of missense changes on protein structure and function (SIFT, PolyPhen-2, Align-GVGD) all suggest that this variant is likely to be tolerated. This variant has not been reported in the literature in individuals affected with PRKG1-related conditions. This variant is not present in population databases (gnomAD no frequency). This sequence change replaces proline, which is neutral and non-polar, with alanine, which is neutral and non-polar, at codon 72 of the PRKG1 protein (p.Pro72Ala).